The following is an entry in ClinVar:

ClinVar aggregate classification (germline): Uncertain significance (1 of 4 stars; one submission).

Submission:

Dasa
Classification: Uncertain significance. Last evaluated: 2025-04-14. Review status: criteria provided, single submitter. Criteria: DASA Assertion Criteria. Collection method: clinical testing. Allele origin: germline.
Comment: NM_001374353.1(GLI2):c.149-3C>G is a splice-region variant predicted to affect normal RNA splicing. This variant is absent from population databases. Computational prediction algorithms are consistent with a deleterious effect. The currently available literature and clinical evidence are not sufficient to establish a definitive association between this variant and the reported condition. Therefore, this variant is classified as a variant of uncertain significance.

NM_001374353.1(GLI2):c.149-3C>G

Gene: GLI2 (GLI family zinc finger 2; plus strand). Cytogenetic location: 2q14.2.
Variant type: single nucleotide variant.
Coding change: c.149-3C>G on transcript NM_001374353.1 (MANE Select); 3 bases into the intron before coding-DNA position 149, C replaced by G.
Molecular consequence: intron variant.
Genome position (GRCh38, 1-based): chr2:120,927,358, C>G. VCF-style: chr2-120927358-C-G. GRCh37 (hg19) VCF-style: chr2-121684934-C-G.
Other names: c.149-3C>G (NM_001371271.1, NM_005270.5); c.-121-23885C>G (NM_001374354.1).
Identifiers: ClinVar variation 4885375 (VCV004885375.2).